The following is an entry in ClinVar:

NM_020964.3(EPG5):c.5576G>T (p.Gly1859Val)

Gene: EPG5 (ectopic P-granules 5 autophagy tethering factor; minus strand). Cytogenetic location: 18q12.3.
Variant type: single nucleotide variant.
Coding change: c.5576G>T on transcript NM_020964.3 (MANE Select); coding-DNA position 5576, G replaced by T.
Protein change: p.Gly1859Val; replaces glycine 1859 with valine.
Molecular consequence: missense variant.
Genome position (GRCh38, 1-based): chr18:45,880,166, C>A on the plus strand (G>T on the coding strand, the complement: EPG5 is on the minus strand). VCF-style: chr18-45880166-C-A. GRCh37 (hg19) VCF-style: chr18-43460131-C-A.
Other names: short protein forms G1859V.
Identifiers: ClinVar variation 1062104 (VCV001062104.8), dbSNP rs1450706583, ClinGen allele CA402343829.

ClinVar aggregate classification (germline): Uncertain significance (1 of 4 stars; one submission).

Conditions:
Vici syndrome (VICIS). Identifiers: Orphanet 1493, MedGen C1855772, MONDO:0009452, OMIM 242840.

Allele frequency attached by ClinVar (database versions not stated): gnomAD exomes below 0.00001.
gnomAD v4.1: 1 of 1,611,542 alleles (0.000062%); highest among the groups gnomAD compares: Admixed American, 0.0017%; no homozygotes.

Submission:

Labcorp Genetics (formerly Invitae), Labcorp
Classification: Uncertain significance for Vici syndrome. Last evaluated: 2024-11-18. Review status: criteria provided, single submitter. Criteria: Invitae Variant Classification Sherloc (09022015). Collection method: clinical testing. Allele origin: germline.
Comment: This sequence change replaces glycine, which is neutral and non-polar, with valine, which is neutral and non-polar, at codon 1859 of the EPG5 protein (p.Gly1859Val). The frequency data for this variant in the population databases is considered unreliable, as metrics indicate poor data quality at this position in the gnomAD database. This variant has not been reported in the literature in individuals affected with EPG5-related conditions. ClinVar contains an entry for this variant (Variation ID: 1062104). Invitae Evidence Modeling of protein sequence and biophysical properties (such as structural, functional, and spatial information, amino acid conservation, physicochemical variation, residue mobility, and thermodynamic stability) indicates that this missense variant is not expected to disrupt EPG5 protein function with a negative predictive value of 80%. In summary, the available evidence is currently insufficient to determine the role of this variant in disease. Therefore, it has been classified as a Variant of Uncertain Significance.